The following is an entry in ClinVar:

ClinVar aggregate classification (germline): Uncertain significance (1 of 4 stars; one submission).

Conditions:
Congenital disorder of glycosylation (CDG). Also called: Carbohydrate-deficient glycoprotein syndrome; Congenital disorders of glycosylation. Identifiers: Orphanet 137, MedGen C0282577, MONDO:0015286.

gnomAD v4.1: 25 of 1,614,104 alleles (0.0015%); highest among the groups gnomAD compares: Admixed American, 0.04%; no homozygotes.

Submission:

Labcorp Genetics (formerly Invitae), Labcorp
Classification: Uncertain significance for Congenital disorder of glycosylation. Last evaluated: 2025-10-19. Review status: criteria provided, single submitter. Criteria: Invitae Variant Classification Sherloc (09022015). Collection method: clinical testing. Allele origin: germline.
Comment: This sequence change replaces alanine, which is neutral and non-polar, with valine, which is neutral and non-polar, at codon 140 of the RPN2 protein (p.Ala140Val). This variant is present in population databases (rs755012885, gnomAD 0.05%). This variant has not been reported in the literature in individuals affected with RPN2-related conditions. ClinVar contains an entry for this variant (Variation ID: 3631416). An algorithm developed to predict the effect of missense changes on protein structure and function (PolyPhen-2) suggests that this variant is likely to be disruptive. In summary, the available evidence is currently insufficient to determine the role of this variant in disease. Therefore, it has been classified as a Variant of Uncertain Significance.

NM_002951.5(RPN2):c.419C>T (p.Ala140Val)

Gene: RPN2 (ribophorin II; plus strand). Cytogenetic location: 20q11.23.
Variant type: single nucleotide variant.
Coding change: c.419C>T on transcript NM_002951.5 (MANE Select); coding-DNA position 419, C replaced by T.
Protein change: p.Ala140Val; replaces alanine 140 with valine.
Molecular consequence: missense variant. On other transcripts: intron variant (1).
Genome position (GRCh38, 1-based): chr20:37,199,165, C>T. VCF-style: chr20-37199165-C-T. GRCh37 (hg19) VCF-style: chr20-35827568-C-T.
Other names: c.323C>T, p.Ala108Val (NM_001135771.3); c.419C>T, p.Ala140Val (NM_001324299.2, NM_001324301.2, NM_001324302.2 and 3 more transcripts); c.9-4720C>T (NM_001324306.2); short protein forms A108V, A140V.
Identifiers: ClinVar variation 3631416 (VCV003631416.2).